The following is an entry in ClinVar:

NM_152419.3(HGSNAT):c.1267G>T (p.Gly423Trp)

Gene: HGSNAT (heparan-alpha-glucosaminide N-acetyltransferase; plus strand). Cytogenetic location: 8p11.21.
Variant type: single nucleotide variant.
Coding change: c.1267G>T on transcript NM_152419.3 (MANE Select); coding-DNA position 1267, G replaced by T.
Protein change: p.Gly423Trp; replaces glycine 423 with tryptophan.
Molecular consequence: missense variant.
Genome position (GRCh38, 1-based): chr8:43,192,320, G>T. VCF-style: chr8-43192320-G-T. GRCh37 (hg19) VCF-style: chr8-43047463-G-T.
Other names: c.1267G>T, p.Gly423Trp (NM_001363227.2); c.1075G>T, p.Gly359Trp (NM_001363228.2); c.403G>T, p.Gly135Trp (NM_001363229.2); short protein forms G423W, G359W, G135W.
Identifiers: ClinVar variation 422050 (VCV000422050.20), dbSNP rs1064795522, ClinGen allele CA16618645.
Genomic context (GRCh38, chr8:43,192,320, plus strand): 5'-CCTTATGAGGTCTTGTCATTTACATATGCTTTTCACCTTCCTAGTGGTTATCTTGGTCCT[G>T]GGGGCATTGGAGATTTTGGCAAGTATCCAAATTGCACTGGAGGAGCTGCAGGCTACATCG-3'
Protein context (NP_689632.2, residues 413-433): PGCPTGYLGP[Gly423Trp]GIGDFGKYPN

ClinVar aggregate classification (germline): Pathogenic/Likely pathogenic. Review status: criteria provided, multiple submitters, no conflicts (2 of 4 stars). 5 submissions from 5 submitters: Pathogenic (2); Likely pathogenic (3). Last evaluated 2026-11-17.

Conditions:
Retinitis pigmentosa 73 (RP73). Identifiers: Orphanet 791, MedGen C4225287, MONDO:0014687, OMIM 616544.
Mucopolysaccharidosis, MPS-III-C (MPS3C). Also called: MPS III C; mucopolysaccharidosis type 3C; MPS IIIC (Sanfilippo Syndrome Type C); SANFILIPPO SYNDROME C; MUCOPOLYSACCHARIDOSIS, TYPE IIIC; Mucopolysaccharidosis type IIIC (Sanfilippo C). Identifiers: Orphanet 581, Orphanet 79271, MedGen C0086649, MONDO:0009657, OMIM 252930.
Sanfilippo syndrome. Also called: Mucopolysaccharidosis Type III; Mucopolysaccharidosis type 3; Sanfilippo disease. Identifiers: Orphanet 581, MedGen C0026706, MONDO:0018937.
HGSNAT-related disorders.

Allele frequency attached by ClinVar (database versions not stated): TOPMed below 0.00001.

Submissions (5):

Undiagnosed Diseases Network, NIH
Classification: Pathogenic for Mucopolysaccharidosis, MPS-III-C. Last evaluated: 2026-11-17. Review status: criteria provided, single submitter. Criteria: ACMG Guidelines, 2015. Collection method: clinical testing. Allele origin: maternal. Inheritance: Autosomal recessive inheritance. Affected: yes. Observed: 1 variant allele, 1 compound heterozygote. Study: Undiagnosed Diseases Network (NIH), UDN.

Labcorp Genetics (formerly Invitae), Labcorp
Classification: Likely pathogenic for Retinitis pigmentosa 73; Mucopolysaccharidosis, MPS-III-C. Last evaluated: 2025-02-24. Review status: criteria provided, single submitter. Criteria: Invitae Variant Classification Sherloc (09022015). Collection method: clinical testing. Allele origin: germline.
Comment: This sequence change replaces glycine, which is neutral and non-polar, with tryptophan, which is neutral and slightly polar, at codon 423 of the HGSNAT protein (p.Gly423Trp). This variant is not present in population databases (gnomAD no frequency). This missense change has been observed in individual(s) with mucopolysaccharidosis type IIIC (PMID: 31228227, 35848209). In at least one individual the data is consistent with being in trans (on the opposite chromosome) from a pathogenic variant. ClinVar contains an entry for this variant (Variation ID: 422050). Invitae Evidence Modeling of protein sequence and biophysical properties (such as structural, functional, and spatial information, amino acid conservation, physicochemical variation, residue mobility, and thermodynamic stability) has been performed for this missense variant. However, the output from this modeling did not meet the statistical confidence thresholds required to predict the impact of this variant on HGSNAT protein function. Experimental studies have shown that this missense change affects HGSNAT function (PMID: 31228227). In summary, the currently available evidence indicates that the variant is pathogenic, but additional data are needed to prove that conclusively. Therefore, this variant has been classified as Likely Pathogenic.

Women's Health and Genetics/Laboratory Corporation of America, LabCorp
Classification: Likely pathogenic for Sanfilippo syndrome. Last evaluated: 2023-08-30. Review status: criteria provided, single submitter. Criteria: LabCorp Variant Classification Summary - May 2015. Collection method: clinical testing. Allele origin: germline.
Comment: Variant summary: HGSNAT c.1267G>T (p.Gly423Trp) results in a non-conservative amino acid change in the encoded protein sequence. Four of four in-silico tools predict a damaging effect of the variant on protein function. The variant was absent in 241552 control chromosomes. c.1267G>T has been reported in the literature in individuals affected with Mucopolysaccharidosis Type IIIC (Sanfilippo Syndrome C) (Martins_2019, Xiao_2022). At least one publication reports experimental evidence evaluating an impact on protein function demonstrates that this variant shows negligible enzyme activity (Martins_2010) . The following publications have been ascertained in the context of this evaluation (PMID: 31228227, 35848209). Four submitters have cited clinical-significance assessments for this variant to ClinVar after 2014 and classified as pathogenic/likely pathogenic (n=3) and VUS (n=1). Based on the evidence outlined above, the variant was classified as likely pathogenic.

GeneDx
Classification: Pathogenic. Last evaluated: 2023-04-19. Review status: criteria provided, single submitter. Criteria: GeneDx Variant Classification Process June 2021. Collection method: clinical testing. Allele origin: germline. Affected: yes.
Comment: Published functional studies demonstrate a damaging effect on protein maturation, enzymatic activity, and lysosomal targeting/processing (Martins et al., 2019); Not observed at significant frequency in large population cohorts (gnomAD); In silico analysis supports that this missense variant has a deleterious effect on protein structure/function; This variant is associated with the following publications: (PMID: 31228227, 35848209)

Blueprint Genetics
Classification: Likely pathogenic for HGSNAT-related disorders. Last evaluated: 2019-07-11. Review status: criteria provided, single submitter. Criteria: ACMG Guidelines, 2015. Collection method: clinical testing. Allele origin: germline. Affected: yes. Observed: 1 variant allele.

Literature cited by the submitters: PubMed 31228227 (cited by Labcorp Genetics (formerly Invitae), Labcorp and Women's Health and Genetics/Laboratory Corporation of America, LabCorp); PubMed 35848209 (cited by Labcorp Genetics (formerly Invitae), Labcorp and Women's Health and Genetics/Laboratory Corporation of America, LabCorp).